The following is an entry in ClinVar:

ClinVar aggregate classification (germline): Uncertain significance (1 of 4 stars; one submission).

Conditions:
Familial sleep-related hypermotor epilepsy. Also called: Autosomal Dominant Sleep-Related Hypermotor (Hyperkinetic) Epilepsy. Identifiers: Orphanet 98784, MedGen C3696898, MONDO:0000030.

Submission:

Labcorp Genetics (formerly Invitae), Labcorp
Classification: Uncertain significance for Familial sleep-related hypermotor epilepsy. Last evaluated: 2022-07-26. Review status: criteria provided, single submitter. Criteria: Invitae Variant Classification Sherloc (09022015). Collection method: clinical testing. Allele origin: germline.
Comment: In summary, the available evidence is currently insufficient to determine the role of this variant in disease. Therefore, it has been classified as a Variant of Uncertain Significance. This sequence change replaces arginine, which is basic and polar, with leucine, which is neutral and non-polar, at codon 9 of the PRIMA1 protein (p.Arg9Leu). This variant is not present in population databases (gnomAD no frequency). This variant has not been reported in the literature in individuals affected with PRIMA1-related conditions. ClinVar contains an entry for this variant (Variation ID: 1378161). Algorithms developed to predict the effect of missense changes on protein structure and function are either unavailable or do not agree on the potential impact of this missense change (SIFT: "Tolerated"; PolyPhen-2: "Probably Damaging"; Align-GVGD: "Class C0").

NM_178013.4(PRIMA1):c.26G>T (p.Arg9Leu)

Gene: PRIMA1 (proline rich membrane anchor 1; minus strand). Cytogenetic location: 14q32.12.
Variant type: single nucleotide variant.
Coding change: c.26G>T on transcript NM_178013.4 (MANE Select); coding-DNA position 26, G replaced by T.
Protein change: p.Arg9Leu; replaces arginine 9 with leucine.
Molecular consequence: missense variant.
Genome position (GRCh38, 1-based): chr14:93,787,693, C>A on the plus strand (G>T on the coding strand, the complement: PRIMA1 is on the minus strand). VCF-style: chr14-93787693-C-A. GRCh37 (hg19) VCF-style: chr14-94254039-C-A.
Other names: short protein forms R9L.
Identifiers: ClinVar variation 1378161 (VCV001378161.6), dbSNP rs1356463267, ClinGen allele CA391147036.